The following is an entry in ClinVar:

ClinVar aggregate classification (germline): Uncertain significance (1 of 4 stars; one submission).

Conditions:
POLD1-related polyposis and colorectal cancer syndrome (CRCS10). Also called: Colorectal cancer 10; COLORECTAL CANCER, SUSCEPTIBILITY TO, ON CHROMOSOME 19q; Colorectal cancer, susceptibility to, 10. Identifiers: Orphanet 220460, MedGen C2675481, MONDO:0012953, OMIM 612591.

Submission:

Labcorp Genetics (formerly Invitae), Labcorp
Classification: Uncertain significance for POLD1-related polyposis and colorectal cancer syndrome. Last evaluated: 2021-07-08. Review status: criteria provided, single submitter. Criteria: Invitae Variant Classification Sherloc (09022015). Collection method: clinical testing. Allele origin: germline.
Comment: This variant, c.2818_2820del, results in the deletion of 1 amino acid(s) of the POLD1 protein (p.Glu940del), but otherwise preserves the integrity of the reading frame. Missense variants that disrupt the 3'-5' exonuclease (proof-reading) activity of the POLD1 protein are associated with an increased risk for colonic adenomatous polyps and colon cancer (PMID: 23263490, 23447401). However, loss-of-function variants that result in an absent or severely disrupted POLD1 protein, and missense variants outside the exonuclease domain, are unlikely to be associated with polyposis or colon cancer. The frequency data for this variant in the population databases is considered unreliable, as metrics indicate insufficient coverage at this position in the ExAC database. This variant has not been reported in the literature in individuals affected with POLD1-related conditions. Experimental studies and prediction algorithms are not available or were not evaluated, and the functional significance of this variant is currently unknown. In summary, the available evidence is currently insufficient to determine the role of this variant in disease. Therefore, it has been classified as a Variant of Uncertain Significance.

Literature cited by the submitters: PubMed 23263490; PubMed 23447401.

NM_002691.4(POLD1):c.2819_2820+1del

Gene: POLD1 (DNA polymerase delta 1, catalytic subunit; plus strand). Cytogenetic location: 19q13.33.
Variant type: Deletion.
Coding change: c.2819_2820+1del on transcript NM_002691.4 (MANE Select); coding-DNA position 2819 through the canonical splice donor site of the intron after coding-DNA position 2820, 3 bases deleted (AGG; older notation c.2819_2820+1delAGG).
Molecular consequence: splice donor variant.
Genome position (GRCh38, 1-based): chr19:50,415,825-50,415,827, AGG deleted; deleting any 3 consecutive bases within chr19:50,415,823-50,415,827 gives the same sequence; the c. name uses the placement nearest the transcript's 3' end. VCF-style (leftmost placement, unchanged base first): chr19-50415822-CGGA-C. GRCh37 (hg19) VCF-style: chr19-50919079-CGGA-C.
Other names: c.2819_2820+1del (NM_001256849.1); c.2897_2898+1del (NM_001308632.1).
Identifiers: ClinVar variation 1489329 (VCV001489329.6), dbSNP rs2122482780, ClinGen allele CA2573156749.
Genomic context (GRCh38, chr19:50,415,822, plus strand): 5'-GCGACCGCGTCCCCTACGTGATCATCAGTGCCGCCAAGGGTGTGGCCGCCTACATGAAGT[CGGA>C]GGTCAGGCCCACCTGGCTGCCTGCTCCCGCCCAGCCCCCTCGCTCTCACTTCTGCTTTCC-3'